The following is an entry in ClinVar:

NC_000009.11:g.(?_6550793)_(6558694_?)dup

Gene: GLDC (glycine decarboxylase; minus strand). Cytogenetic location: 9p24.1.
Variant type: Duplication.
Identifiers: ClinVar variation 2422532 (VCV002422532.6).

ClinVar aggregate classification (germline): Likely pathogenic (1 of 4 stars; one submission).

Conditions:
Glycine encephalopathy. Also called: Nonketotic hyperglycinemia; Non-ketotic hyperglycinemia. Identifiers: Orphanet 407, MedGen C0751748, MONDO:0011612, HP:0008288.

Submission:

Labcorp Genetics (formerly Invitae), Labcorp
Classification: Likely pathogenic for Glycine encephalopathy. Last evaluated: 2022-03-27. Review status: criteria provided, single submitter. Criteria: Invitae Variant Classification Sherloc (09022015). Collection method: clinical testing. Allele origin: germline.
Comment: This variant results in a copy number gain of the genomic region encompassing exon(s) 17-21 of the GLDC gene. While the exact position of this variant cannot be determined from the data, sub-genic copy number gains are generally in tandem (PMID: 25640679). This variant is predicted to be out-of-frame, and may result in an absent or disrupted protein product. Loss-of-function variants in GLDC are known to be pathogenic (PMID: 16601880). This variant has not been reported in the literature in individuals affected with GLDC-related conditions. In summary, the currently available evidence indicates that the variant is pathogenic, but additional data are needed to prove that conclusively. Therefore, this variant has been classified as Likely Pathogenic.

Literature cited by the submitters: PubMed 25640679; PubMed 16601880.